The following is an entry in ClinVar:

NM_000747.3(CHRNB1):c.485G>C (p.Trp162Ser)

Gene: CHRNB1 (cholinergic receptor nicotinic beta 1 subunit; plus strand). Cytogenetic location: 17p13.1.
Variant type: single nucleotide variant.
Coding change: c.485G>C on transcript NM_000747.3 (MANE Select); coding-DNA position 485, G replaced by C.
Protein change: p.Trp162Ser; replaces tryptophan 162 with serine.
Molecular consequence: missense variant.
Genome position (GRCh38, 1-based): chr17:7,447,525, G>C. VCF-style: chr17-7447525-G-C. GRCh37 (hg19) VCF-style: chr17-7350844-G-C.
Other names: c.485G>C (NM_000747.2); short protein forms W162S.
Identifiers: ClinVar variation 3004801 (VCV003004801.4), dbSNP rs1328400943, ClinGen allele CA397792455.

ClinVar aggregate classification (germline): Uncertain significance. Review status: criteria provided, multiple submitters, no conflicts (2 of 4 stars). 2 submissions from 2 submitters: Uncertain significance (2). Last evaluated 2025-06-07.

Conditions:
Congenital myasthenic syndrome 2A. Also called: Myasthenic syndrome, congenital, 2a, slow-channel. Identifiers: Orphanet 590, MedGen C4225374, MONDO:0014581, OMIM 616313.
Inborn genetic diseases. Identifiers: MedGen C0950123, MeSH D030342.

gnomAD v4.1: 2 of 1,614,142 alleles (0.00012%); highest among the groups gnomAD compares: Admixed American, 0.0033%; no homozygotes.

Submissions (2):

Ambry Genetics
Classification: Uncertain significance for Inborn genetic diseases. Last evaluated: 2025-06-07. Review status: criteria provided, single submitter. Criteria: Ambry Variant Classification Scheme 2023. Collection method: clinical testing. Allele origin: germline.

Labcorp Genetics (formerly Invitae), Labcorp
Classification: Uncertain significance for Congenital myasthenic syndrome 2A. Last evaluated: 2023-07-27. Review status: criteria provided, single submitter. Criteria: Invitae Variant Classification Sherloc (09022015). Collection method: clinical testing. Allele origin: germline.
Comment: Advanced modeling of protein sequence and biophysical properties (such as structural, functional, and spatial information, amino acid conservation, physicochemical variation, residue mobility, and thermodynamic stability) performed at Invitae indicates that this missense variant is not expected to disrupt CHRNB1 protein function. This sequence change replaces tryptophan, which is neutral and slightly polar, with serine, which is neutral and polar, at codon 162 of the CHRNB1 protein (p.Trp162Ser). This variant is present in population databases (no rsID available, gnomAD 0.006%). This variant has not been reported in the literature in individuals affected with CHRNB1-related conditions. Algorithms developed to predict the effect of sequence changes on RNA splicing suggest that this variant may create or strengthen a splice site. In summary, the available evidence is currently insufficient to determine the role of this variant in disease. Therefore, it has been classified as a Variant of Uncertain Significance.